The following is an entry in ClinVar:

ClinVar aggregate classification (germline): Uncertain significance. Review status: reviewed by expert panel (3 of 4 stars). 7 submissions from 6 submitters: Uncertain significance (1). 6 of the submissions do not count toward it. Last evaluated 2025-08-01.

Conditions:
RYR1-related disorder. Also called: RYR1-related condition; RYR1-related disorders. Identifiers: MedGen CN239331.
Malignant hyperthermia of anesthesia. Also called: Anesthesic-triggered malignant hyperthermia. Identifiers: Orphanet 423, MedGen C0024591, MONDO:0018493, HP:0034733.
Malignant hyperthermia, susceptibility to, 1 (MHS1). Also called: Anesthesia related hyperthermia; Malignant hyperpyrexia; Fulminating hyperpyrexia; Pharmacogenic myopathy; RYR1-Related Malignant Hyperthermia Susceptibility; Malignant hyperthermia suceptibility 1. Identifiers: Orphanet 423, MedGen C2930980, MONDO:0007783, OMIM 145600.
Congenital multicore myopathy with external ophthalmoplegia (CMYO1B). Also called: MULTICORE MYOPATHY; Minicore myopathy with external ophthalmoplegia; Congenital myopathy 1B, autosomal recessive; Minicore myopathy; MULTIMINICORE DISEASE WITH EXTERNAL OPHTHALMOPLEGIA. Identifiers: Orphanet 598, Orphanet 98905, MedGen C1850674, MONDO:0009712, OMIM 255320, HP:0003789.

Allele frequency attached by ClinVar (database versions not stated): ExAC 0.00004; gnomAD exomes 0.00005 and 0.00006; ESP Exome Variant Server 0.00008; gnomAD 0.00008 and 0.00009; TOPMed 0.00008; 1000 Genomes Project 30x 0.00016; 1000 Genomes Project 0.00020.
gnomAD v4.1: 103 of 1,560,942 alleles (0.0066%); highest among the groups gnomAD compares: African/African-American, 0.014%; no homozygotes.

Submissions (7):

ClinGen Malignant Hyperthermia Susceptibility Variant Curation Expert Panel, ClinGen
Classification: Uncertain significance for Malignant hyperthermia of anesthesia. Last evaluated: 2025-08-01. Review status: reviewed by expert panel. Criteria: ClinGen MHS ACMG Specifications V2. Collection method: curation. Allele origin: germline. Inheritance: Autosomal dominant inheritance.
Comment: This pathogenicity assessment is relevant only for malignant hyperthermia susceptibility (MHS) inherited in an autosomal dominant pattern. Variants in RYR1 can also cause other myopathies inherited in an autosomal dominant pattern or in an autosomal recessive pattern. Some of these disorders may predispose individuals to malignant hyperthermia. RYR1 variants may also contribute to a malignant hyperthermia reaction in combination with other genetic and non-genetic factors and the clinician needs to consider such factors in making management decisions. This sequence variant predicts a substitution of proline with leucine at codon 1588 of the RYR1 protein, p.(Pro1588Leu).The maximum allele frequency for this variant among the six major gnomAD populations is AFR: 0.000163, a frequency consistent with pathogenicity for MHS. This variant has been reported in two unrelated individuals who have a personal or family history of a malignant hyperthermia reaction; two of these individuals had a positive in vitro contracture test (IVCT) or caffeine halothane contracture test (CHCT) result (if the proband was unavailable for testing, a positive diagnostic test result in a mutation-positive relative was counted), (PMID:30236257). However, the high MAF in the AFR population in gnomAD precludes the use of PS4. No functional studies were identified for this variant. This variant does not reside in a hotspot for pathogenic variants that contribute to MHS. A REVEL score of 0.735 supports neither a pathogenic nor a benign status for this variant. This variant has been classified as a Variant of Unknown Significance. No criteria implemented.

Labcorp Genetics (formerly Invitae), Labcorp
Classification: Uncertain significance for RYR1-related disorder. Last evaluated: 2025-01-13. Review status: criteria provided, single submitter. Criteria: Invitae Variant Classification Sherloc (09022015). Collection method: clinical testing. Allele origin: germline. Not counted in ClinVar's aggregate classification.
Comment: This sequence change replaces proline, which is neutral and non-polar, with leucine, which is neutral and non-polar, at codon 1588 of the RYR1 protein (p.Pro1588Leu). This variant is present in population databases (rs151029675, gnomAD 0.02%). This missense change has been observed in individual(s) with malignant hyperthermia (PMID: 30236257). ClinVar contains an entry for this variant (Variation ID: 329033). Invitae Evidence Modeling of protein sequence and biophysical properties (such as structural, functional, and spatial information, amino acid conservation, physicochemical variation, residue mobility, and thermodynamic stability) indicates that this missense variant is expected to disrupt RYR1 protein function with a positive predictive value of 80%. In summary, the available evidence is currently insufficient to determine the role of this variant in disease. Therefore, it has been classified as a Variant of Uncertain Significance.

Revvity Omics, Revvity
Classification: Uncertain significance. Last evaluated: 2024-06-14. Review status: criteria provided, single submitter. Criteria: ACMG Guidelines, 2015. Collection method: clinical testing. Allele origin: germline. Not counted in ClinVar's aggregate classification.

Color Diagnostics, LLC DBA Color Health
Classification: Uncertain significance for Malignant hyperthermia, susceptibility to, 1. Last evaluated: 2024-02-15. Review status: criteria provided, single submitter. Criteria: ACMG Guidelines, 2015. Collection method: clinical testing. Allele origin: germline. Not counted in ClinVar's aggregate classification.
Comment: This missense variant replaces proline with leucine at codon 1588 of the RYR1 protein. Computational prediction suggests that this variant may have deleterious impact on protein structure and function. To our knowledge, functional studies have not been reported for this variant. This variant has been reported in two individuals affected with malignant hyperthermia susceptibility (PMID: 30236257). This variant has been identified in 13/199586 chromosomes in the general population by the Genome Aggregation Database (gnomAD). The available evidence is insufficient to determine the role of this variant in disease conclusively. Therefore, this variant is classified as a Variant of Uncertain Significance.

GeneDx
Classification: Uncertain significance. Last evaluated: 2023-03-30. Review status: criteria provided, single submitter. Criteria: GeneDx Variant Classification Process June 2021. Collection method: clinical testing. Allele origin: germline. Affected: yes. Not counted in ClinVar's aggregate classification.
Comment: Reported in two unrelated families with malignant hyperthermia in published literature (Miller et al., 2018); In silico analysis supports that this missense variant has a deleterious effect on protein structure/function; This variant is associated with the following publications: (PMID: Hang2020[Review], 28539123, 30236257)

Illumina Laboratory Services, Illumina
Classification: Uncertain significance for Malignant hyperthermia, susceptibility to, 1. Last evaluated: 2018-01-12. Review status: criteria provided, single submitter. Criteria: ICSL Variant Classification Criteria 13 December 2019. Collection method: clinical testing. Allele origin: germline. Not counted in ClinVar's aggregate classification.

Illumina Laboratory Services, Illumina
Classification: Uncertain significance for Congenital multicore myopathy with external ophthalmoplegia. Last evaluated: 2018-01-12. Review status: criteria provided, single submitter. Criteria: ICSL Variant Classification Criteria 13 December 2019. Collection method: clinical testing. Allele origin: germline. Not counted in ClinVar's aggregate classification.

Literature cited by the submitters: PubMed 30236257 (cited by Labcorp Genetics (formerly Invitae), Labcorp and Color Diagnostics, LLC DBA Color Health).

NM_000540.3(RYR1):c.4763C>T (p.Pro1588Leu)

Gene: RYR1 (ryanodine receptor 1; plus strand). Cytogenetic location: 19q13.2.
Variant type: single nucleotide variant.
Coding change: c.4763C>T on transcript NM_000540.3 (MANE Select); coding-DNA position 4763, C replaced by T.
Protein change: p.Pro1588Leu; replaces proline 1588 with leucine.
Molecular consequence: missense variant.
Genome position (GRCh38, 1-based): chr19:38,483,345, C>T. VCF-style: chr19-38483345-C-T. GRCh37 (hg19) VCF-style: chr19-38973985-C-T.
Other names: NM_000540.2(RYR1):c.4763C>T; p.Pro1588Leu; c.4763C>T, p.Pro1588Leu (NM_001042723.2); short protein forms P1588L.
Identifiers: ClinVar variation 329033 (VCV000329033.15), dbSNP rs151029675, ClinGen allele CA066427.